The following is an entry in ClinVar:

ClinVar aggregate classification (germline): Uncertain significance (1 of 4 stars; one submission).

Conditions:
Pseudohypoaldosteronism type 2C (PHA2C). Also called: Pseudohypoaldosteronism Type IIC. Identifiers: Orphanet 757, Orphanet 88940, MedGen C1840391, MONDO:0013778, OMIM 614492.
Neuropathy, hereditary sensory and autonomic, type 2A (HSAN2A). Also called: ACROOSTEOLYSIS, GIACCAI TYPE; ACROOSTEOLYSIS, NEUROGENIC; MORVAN DISEASE; NEUROPATHY, CONGENITAL SENSORY; NEUROPATHY, HEREDITARY SENSORY RADICULAR, AUTOSOMAL RECESSIVE; NEUROPATHY, HEREDITARY SENSORY, TYPE IIA. Identifiers: Orphanet 970, MedGen C2752089, MONDO:0024309, OMIM 201300.

Allele frequency attached by ClinVar (database versions not stated): TOPMed below 0.00001; gnomAD 0.00001.
gnomAD v4.1: 2 of 1,613,922 alleles (0.00012%); highest among the groups gnomAD compares: Non-Finnish European, 0.00017%; no homozygotes.

Submission:

Labcorp Genetics (formerly Invitae), Labcorp
Classification: Uncertain significance for Neuropathy, hereditary sensory and autonomic, type 2A; Pseudohypoaldosteronism type 2C. Last evaluated: 2022-11-22. Review status: criteria provided, single submitter. Criteria: Invitae Variant Classification Sherloc (09022015). Collection method: clinical testing. Allele origin: germline.
Comment: This variant has not been reported in the literature in individuals affected with WNK1-related conditions. In summary, the available evidence is currently insufficient to determine the role of this variant in disease. Therefore, it has been classified as a Variant of Uncertain Significance. Advanced modeling of protein sequence and biophysical properties (such as structural, functional, and spatial information, amino acid conservation, physicochemical variation, residue mobility, and thermodynamic stability) performed at Invitae indicates that this missense variant is not expected to disrupt WNK1 protein function. ClinVar contains an entry for this variant (Variation ID: 1017828). This variant is not present in population databases (gnomAD no frequency). This sequence change replaces alanine, which is neutral and non-polar, with proline, which is neutral and non-polar, at codon 2099 of the WNK1 protein (p.Ala2099Pro).

NM_018979.4(WNK1):c.5539G>C (p.Ala1847Pro)

Gene: WNK1 (WNK lysine deficient protein kinase 1; plus strand). Cytogenetic location: 12p13.33.
Variant type: single nucleotide variant.
Coding change: c.5539G>C on transcript NM_018979.4 (MANE Select); coding-DNA position 5539, G replaced by C.
Protein change: p.Ala1847Pro; replaces alanine 1847 with proline.
Molecular consequence: missense variant.
Genome position (GRCh38, 1-based): chr12:894,591, G>C. VCF-style: chr12-894591-G-C. GRCh37 (hg19) VCF-style: chr12-1003757-G-C.
Other names: c.6319G>C, p.Ala2107Pro (NM_001184985.2); c.4795G>C, p.Ala1599Pro (NM_014823.3); c.6295G>C, p.Ala2099Pro (NM_213655.5); short protein forms A1599P, A1847P, A2099P, A2107P.
Identifiers: ClinVar variation 1017828 (VCV001017828.8), dbSNP rs1954576274, ClinGen allele CA383334193.